The following is an entry in ClinVar:

NM_021095.4(SLC5A6):c.814G>A (p.Gly272Arg)

Gene: SLC5A6 (solute carrier family 5 member 6; minus strand). Cytogenetic location: 2p23.3.
Variant type: single nucleotide variant.
Coding change: c.814G>A on transcript NM_021095.4 (MANE Select); coding-DNA position 814, G replaced by A.
Protein change: p.Gly272Arg; replaces glycine 272 with arginine.
Molecular consequence: missense variant. On other transcripts: non-coding transcript variant (1).
Genome position (GRCh38, 1-based): chr2:27,204,852, C>T on the plus strand (G>A on the coding strand, the complement: SLC5A6 is on the minus strand). VCF-style: chr2-27204852-C-T. GRCh37 (hg19) VCF-style: chr2-27427720-C-T.
Other names: short protein forms G272R.
Identifiers: ClinVar variation 3600297 (VCV003600297.2).

ClinVar aggregate classification (germline): Conflicting classifications of pathogenicity. Review status: criteria provided, conflicting classifications (1 of 4 stars). 2 submissions from 2 submitters: Likely pathogenic (1); Uncertain significance (1). Last evaluated 2024-12-02.

Conditions:
Neurodegeneration, infantile-onset, biotin-responsive. Also called: SODIUM-DEPENDENT MULTIVITAMIN TRANSPORTER DEFICIENCY; SMVT DEFICIENCY. Identifiers: Orphanet 521268, MedGen C5436520, MONDO:0033546, OMIM 618973.
SLC5A6-related disorder.

Submissions (2):

Elsea Laboratory, Baylor College of Medicine
Classification: Likely pathogenic for Neurodegeneration, infantile-onset, biotin-responsive. Last evaluated: 2024-12-02. Review status: criteria provided, single submitter. Criteria: ACMG Guidelines, 2015. Collection method: clinical testing. Allele origin: germline. Affected: yes. Observed: 1 variant allele.
Comment: This variant is located within exon 8 of the SLC5A6 gene and replaces glycine with arginine at codon 272. This variant has been observed in one individual affected with sodium-dependent multivitamin transporter deficiency, in trans with a known likely pathogenic variant NM_021095.4: c.1865_1866del (p.Gln622fs) (ClinVar ID 134157). Clinical metabolomic testing identified biochemical perturbations supportive of SMVT deficiency in this individual (Walimbe, et al., 2024, in revision with AJMG-Part A). This variant is predicted to be deleterious to protein function (REVEL 0.931). This variant is also predicted to affect splicing by activating a cryptic acceptor site, however functional evidence is not available (SpliceAI acceptor gain 0.76, acceptor loss 0). This variant is rare (8/1614112 chromosomes, 0.000495%) in the general population database, gnomAD (v4). Therefore, this variant is classified as likely pathogenic (PM2+PM3+PP3+PP4).

Daryl Scott Lab, Baylor College of Medicine
Classification: Uncertain significance for SLC5A6-related disorder. Review status: criteria provided, single submitter. Criteria: ACMG Guidelines, 2015. Collection method: clinical testing. Allele origin: unknown. Affected: yes. Observed: 1 compound heterozygote.
Comment: PM2 PP3